The following is an entry in ClinVar:

NM_001130987.2(DYSF):c.5353del (p.Val1785fs)

Gene: DYSF (dysferlin; plus strand). Cytogenetic location: 2p13.2.
Variant type: Deletion.
Coding change: c.5353del on transcript NM_001130987.2 (MANE Select); coding-DNA position 5353, one base deleted (G; older notation c.5353delG).
Protein change: p.Val1785fs; shifts the reading frame from valine 1785.
Molecular consequence: frameshift variant.
Genome position (GRCh38, 1-based): chr2:71,667,411, G deleted. VCF-style (leftmost placement, unchanged base first): chr2-71667410-AG-A. GRCh37 (hg19) VCF-style: chr2-71894540-AG-A.
Other names: c.5239del, p.Val1747fs (NM_001130455.2); c.5194del, p.Val1732fs (NM_001130976.2); c.5257del, p.Val1753fs (NM_001130977.2); c.5299del, p.Val1767fs (NM_001130978.2); c.5329del, p.Val1777fs (NM_001130979.2); c.5287del, p.Val1763fs (NM_001130980.2); c.5350del, p.Val1784fs (NM_001130981.2); c.5332del, p.Val1778fs (NM_001130982.2); and 5 more; short protein forms V1732fs, V1733fs, V1746fs, V1747fs, V1753fs, V1754fs, V1763fs, V1764fs.
Identifiers: ClinVar variation 5015615 (VCV005015615.1).

ClinVar aggregate classification (germline): Pathogenic (1 of 4 stars; one submission).

Conditions:
Autosomal recessive limb-girdle muscular dystrophy. Identifiers: Orphanet 102015, MedGen C2931907, MONDO:0015152.

Submission:

Myriad Genetics, Inc.
Classification: Pathogenic for Autosomal recessive limb-girdle muscular dystrophy. Last evaluated: 2026-02-26. Review status: criteria provided, single submitter. Criteria: Myriad Autosomal Dominant, Autosomal Recessive and X-Linked Classification Criteria (2023). Collection method: clinical testing. Allele origin: unknown.
Comment: NM_003494.3(DYSF):c.5236delG(V1746Wfs*78) is expected to be pathogenic in the context of dysferlinopathy. This variant is predicted to lead to an abnormal or absent protein product due to the creation of a premature termination codon in DYSF, a gene where loss-of-function variants are known to be pathogenic. Please note: this variant was assessed in the context of healthy population screening.